The following continues an entry in ClinVar:

NM_032043.3(BRIP1):c.2992_2993del (p.Lys998fs)

Gene: BRIP1. ClinVar aggregate classification (germline): Conflicting classifications of pathogenicity. Pathogenic (4); Likely pathogenic (7); Uncertain significance (5).

Submissions 11 to 16 of 16:

Laboratory for Molecular Medicine, Mass General Brigham Personalized Medicine
Classification: Pathogenic for Hereditary breast ovarian cancer syndrome. Last evaluated: 2023-02-02. Review status: criteria provided, single submitter. Criteria: ACMG Guidelines, 2015. Collection method: clinical testing. Allele origin: germline.
Comment: The p.Lys998GlufsX3 variant in BRIP1 has been reported in 1 individual from an ovarian cancer cohort (Lilyquist 2017 PMID: 28888541) and was absent in large population databases. This variant is predicted to cause a frameshift, which alters the protein’s amino acid sequence beginning at position 998 and leads to a premature termination codon 3 amino acids downstream. The variant occurs in the last exon and may escape mRNA nonsense mediated decay; however it's predicted to remove ~20% of the protein impacting the c-terminus region which is critical for protein function (Leung 2011 PMID: 21127055, Gong 2010 PMID: 20159562). Other frameshift variants at the same codon (c.2992_2995delAAGA, p.Lys998Glufs*60) or downstream of this variant has been reported in individuals with ovarian breast cancer. Loss of function of BRIP1 is an established disease mechanism for autosomal dominant ovarian cancer and autosomal recessive Fanconi anemia. In summary, this variant meets criteria to be classified as pathogenic for autosomal dominant ovarian cancer and autosomal recessive Fanconi anemia. ACMG/AMP criteria applied: PVS1_Strong, PM1, PM2_Supporting.

Blueprint Genetics
Classification: Likely pathogenic for BRIP1-related disorders. Last evaluated: 2022-11-09. Review status: criteria provided, single submitter. Criteria: ACMG Guidelines, 2015. Collection method: clinical testing. Allele origin: germline. Affected: yes. Observed: 2 variant alleles.

Women's Health and Genetics/Laboratory Corporation of America, LabCorp
Classification: Likely pathogenic for Hereditary breast ovarian cancer syndrome. Last evaluated: 2021-02-05. Review status: criteria provided, single submitter. Criteria: LabCorp Variant Classification Summary - May 2015. Collection method: clinical testing. Allele origin: germline.
Comment: Variant summary: BRIP1 c.2992_2993delAA (p.Lys998GlufsX3) results in a premature termination codon, predicted to cause a truncation of the encoded protein or absence of the protein due to nonsense mediated decay, which are commonly known mechanisms for disease. Truncations downstream of this position have been classified as pathogenic by our laboratory. The variant allele was found at a frequency of 2.3e-05 in 265460 control chromosomes (gnomAD and publications). c.2992_2993delAA has been reported in the literature in individuals affected with Hereditary Breast And Ovarian Cancer Syndrome (e.g. Maxwell_2015, Lilyquist_2017, Nassar_2020), while it has also been reported in an unaffected individual with a family history of breast cancer (Mersch_2018) and in healthy controls (e.g. Easton_2016, Thompson_2016, FLOSSIES database). These data indicate that the variant may be associated with disease. A co-occurrence with another pathogenic variant has been reported in a breast cancer patient (BRCA1 c.68_69delAG, p.Glu23ValfsX17; Kadri_2021). To our knowledge, no experimental evidence demonstrating an impact on protein function has been reported. Six ClinVar submitters (evaluation after 2014) cite the variant as pathogenic/likely pathogenic. Other frameshift variants in this region of the BRIP1 gene are cited in HGMD and ClinVar databases as disease-associated/pathogenic (e.g. c.2990_2993delCAAA, p.Thr997ArgfsX61; c.2992_2995delAAGA, p.Lys998GlufsX60). Based on the evidence outlined above, the variant was classified as likely pathogenic.

Rady Children's Institute for Genomic Medicine, Rady Children's Hospital San Diego
Classification: Pathogenic for BRIP1-associated familial cancer predisposition. Last evaluated: 2020-07-28. Review status: criteria provided, single submitter. Criteria: ACMG Guidelines, 2015. Collection method: clinical testing. Allele origin: germline. Affected: yes.
Comment: This frameshift variant in exon 20 of 20 introduces a premature stop codon and is therefore predicted to result in loss of normal protein function through either protein truncation or nonsense-mediated mRNA decay (NMD). This variant has not been previously reported or functionally characterized in the literature to our knowledge. A different variant (c.2992_2995delAAGA, p.Lys998Glufs*60) that disrupts this region has been reported as pathogenic (PMID: 18628483, 26921362, 28423363, 30322717). The c.2992_2993delAA (p.Lys998GlufsTer3) variant is present in the heterozygous state in the gnomAD population database at a frequency of 0.001% (1/250982) and thus is presumed to be rare. Based on the available evidence, the c.2992_2993delAA (p.Lys998GlufsTer3) variant is classified as Pathogenic.

Genetic Services Laboratory, University of Chicago
Classification: Likely pathogenic for Breast cancer, early-onset. Last evaluated: 2016-11-21. Review status: criteria provided, single submitter. Criteria: ACMG Guidelines, 2015. Collection method: clinical testing. Allele origin: germline. Affected: yes.

Juno Genomics, Hangzhou Juno Genomics, Inc
Classification: Likely pathogenic for Familial cancer of breast; Fanconi anemia complementation group J. Review status: criteria provided, single submitter. Criteria: ACMG Guidelines, 2015. Collection method: clinical testing. Allele origin: germline.
Comment: Absent from controls (or at extremely low frequency if recessive) in Genome Aggregation Database.;Null variant in a gene where loss of function (LOF) is a known mechanism of disease.;The prevalence of the variant in affected individuals is significantly increased compared to the prevalence in controls.

Literature cited by the submitters: PubMed 25503501 (cited by 4 submitters); PubMed 26921362 (cited by 4 submitters); PubMed 28888541 (cited by 4 submitters); PubMed 30254378 (cited by Labcorp Genetics (formerly Invitae), Labcorp and Color Diagnostics, LLC DBA Color Health); PubMed 32359370 (cited by 3 submitters); PubMed 26786923 (cited by 4 submitters); PubMed 30264118 (cited by 3 submitters); PubMed 31844177 (cited by 3 submitters); PubMed 33552952 (cited by 3 submitters); PubMed 18628483 (cited by Quest Diagnostics Nichols Institute San Juan Capistrano); PubMed 20159562 (cited by Ambry Genetics and Color Diagnostics, LLC DBA Color Health); PubMed 21127055 (cited by Ambry Genetics); PubMed 11301010 (cited by Color Diagnostics, LLC DBA Color Health); PubMed 14983014 (cited by Color Diagnostics, LLC DBA Color Health); PubMed 20173781 (cited by Color Diagnostics, LLC DBA Color Health); PubMed 22792074 (cited by Color Diagnostics, LLC DBA Color Health).